The following is an entry in ClinVar:

ClinVar aggregate classification (germline): Uncertain significance (1 of 4 stars; one submission).

Conditions:
Hereditary cancer-predisposing syndrome. Also called: Neoplastic Syndromes, Hereditary; Tumor predisposition; Hereditary neoplastic syndrome; Hereditary Cancer Syndrome. Identifiers: Orphanet 140162, MedGen C0027672, MeSH D009386, MONDO:0015356.

Allele frequency attached by ClinVar (database versions not stated): gnomAD 0.00001.
gnomAD v4.1: 1 of 1,613,366 alleles (0.000062%); highest among the groups gnomAD compares: African/African-American, 0.0013%; no homozygotes.

Submission:

Ambry Genetics
Classification: Uncertain significance for Hereditary cancer-predisposing syndrome. Last evaluated: 2022-11-08. Review status: criteria provided, single submitter. Criteria: Ambry Variant Classification Scheme 2023. Collection method: clinical testing. Allele origin: germline.
Comment: The p.L686I variant (also known as c.2056C>A), located in coding exon 10 of the BRCA2 gene, results from a C to A substitution at nucleotide position 2056. The leucine at codon 686 is replaced by isoleucine, an amino acid with highly similar properties. This amino acid position is well conserved in available vertebrate species. In addition, this alteration is predicted to be tolerated by in silico analysis. Since supporting evidence is limited at this time, the clinical significance of this alteration remains unclear.

NM_000059.4(BRCA2):c.2056C>A (p.Leu686Ile)

Gene: BRCA2 (BRCA2 DNA repair associated; plus strand). Cytogenetic location: 13q13.1.
Variant type: single nucleotide variant.
Coding change: c.2056C>A on transcript NM_000059.4 (MANE Select); coding-DNA position 2056, C replaced by A.
Protein change: p.Leu686Ile; replaces leucine 686 with isoleucine.
Molecular consequence: missense variant. On other transcripts: non-coding transcript variant (1), intron variant (2).
Genome position (GRCh38, 1-based): chr13:32,336,411, C>A. VCF-style: chr13-32336411-C-A. GRCh37 (hg19) VCF-style: chr13-32910548-C-A.
Other names: c.2056C>A, p.Leu686Ile (NM_001406719.1, NM_001406720.1); c.1909+3024C>A (NM_001406721.1); c.424+5381C>A (NM_001406722.1); short protein forms L686I.
Identifiers: ClinVar variation 2451474 (VCV002451474.2), dbSNP rs1135401896, ClinGen allele CA387768996.